The following is an entry in ClinVar:

NM_001282531.3(ADNP):c.2086G>A (p.Gly696Ser)

Gene: ADNP (activity dependent neuroprotector homeobox; minus strand). Cytogenetic location: 20q13.13.
Variant type: single nucleotide variant.
Coding change: c.2086G>A on transcript NM_001282531.3 (MANE Select); coding-DNA position 2086, G replaced by A.
Protein change: p.Gly696Ser; replaces glycine 696 with serine.
Molecular consequence: missense variant.
Genome position (GRCh38, 1-based): chr20:50,892,628, C>T on the plus strand (G>A on the coding strand, the complement: ADNP is on the minus strand). VCF-style: chr20-50892628-C-T. GRCh37 (hg19) VCF-style: chr20-49509165-C-T.
Other names: c.2086G>A, p.Gly696Ser (NM_001282532.2, NM_001347511.2, NM_015339.5 and 1 more transcripts); short protein forms G696S.
Identifiers: ClinVar variation 2580701 (VCV002580701.1), dbSNP rs2515581024, ClinGen allele CA408971222.
Genomic context (GRCh38, chr20:50,892,628, plus strand): 5'-TCACAGGTGCCAGACTTGGAGACTGATTAAGCCGAGAGGGTGCATTTGTCTTATCCTGGC[C>T]ATTTTGGGTCTTTCCAACGCCCCTGCAGTGAACTAGATGCAGAGTGATAGTTGAGGCGGT-3'
Protein context (NP_001269460.1, residues 686-706): HCRGVGKTQN[Gly696Ser]QDKTNAPSRL

ClinVar aggregate classification (germline): Uncertain significance (1 of 4 stars; one submission).

Submission:

GeneDx
Classification: Uncertain significance. Last evaluated: 2023-03-24. Review status: criteria provided, single submitter. Criteria: GeneDx Variant Classification Process June 2021. Collection method: clinical testing. Allele origin: germline. Affected: yes.
Comment: Not observed at significant frequency in large population cohorts (gnomAD); In silico analysis supports that this missense variant does not alter protein structure/function; Has not been previously published as pathogenic or benign to our knowledge